The following is an entry in ClinVar:

NM_020442.6(VARS2):c.1562G>A (p.Trp521Ter)

Gene: VARS2 (valyl-tRNA synthetase 2, mitochondrial; plus strand). Cytogenetic location: 6p21.33.
Variant type: single nucleotide variant.
Coding change: c.1562G>A on transcript NM_020442.6 (MANE Select); coding-DNA position 1562, G replaced by A.
Protein change: p.Trp521Ter; replaces tryptophan 521 with a stop codon.
Molecular consequence: nonsense.
Genome position (GRCh38, 1-based): chr6:30,921,235, G>A. VCF-style: chr6-30921235-G-A. GRCh37 (hg19) VCF-style: chr6-30889012-G-A.
Other names: c.1142G>A, p.Trp381Ter (NM_001167733.3); c.1652G>A, p.Trp551Ter (NM_001167734.2); short protein forms W381*, W521*, W551*.
Identifiers: ClinVar variation 4777421 (VCV004777421.1).
Genomic context (GRCh38, chr6:30,921,235, plus strand): 5'-TGGGGAGGGGGGACTGACTGGTTATTCTAAGACTTCACGAATGTCCTCCCGGCAGGGACT[G>A]GTGTGTCTCCCGGCAGCTGTGGTGGGGCCATCAGATTCCAGCCTACCTGGTTGTAGAGGA-3'

ClinVar aggregate classification (germline): Pathogenic (1 of 4 stars; one submission).

Submission:

Labcorp Genetics (formerly Invitae), Labcorp
Classification: Pathogenic. Last evaluated: 2025-03-05. Review status: criteria provided, single submitter. Criteria: Invitae Variant Classification Sherloc (09022015). Collection method: clinical testing. Allele origin: germline.
Comment: This sequence change creates a premature translational stop signal (p.Trp551*) in the VARS2 gene. It is expected to result in an absent or disrupted protein product. Loss-of-function variants in VARS2 are known to be pathogenic (PMID: 29313548). This variant is present in population databases (rs368106991, gnomAD 0.007%). This variant has not been reported in the literature in individuals affected with VARS2-related conditions. Algorithms developed to predict the effect of sequence changes on RNA splicing suggest that this variant may disrupt the consensus splice site. For these reasons, this variant has been classified as Pathogenic.

Literature cited by the submitters: PubMed 29313548.